The following is an entry in ClinVar:

NM_001009999.3(KDM1A):c.659T>C (p.Ile220Thr)

Gene: KDM1A (lysine demethylase 1A; plus strand). Cytogenetic location: 1p36.12.
Variant type: single nucleotide variant.
Coding change: c.659T>C on transcript NM_001009999.3 (MANE Select); coding-DNA position 659, T replaced by C.
Protein change: p.Ile220Thr; replaces isoleucine 220 with threonine.
Molecular consequence: missense variant.
Genome position (GRCh38, 1-based): chr1:23,050,468, T>C. VCF-style: chr1-23050468-T-C. GRCh37 (hg19) VCF-style: chr1-23376961-T-C.
Other names: c.599T>C, p.Ile200Thr (NM_001363654.2, NM_001410763.1, NM_015013.4); c.659T>C, p.Ile220Thr (NM_001410762.1); short protein forms I200T, I220T.
Identifiers: ClinVar variation 3113698 (VCV003113698.2), dbSNP rs748931758, ClinGen allele CA679514.

ClinVar aggregate classification (germline): Uncertain significance (1 of 4 stars; one submission).

Conditions:
Inborn genetic diseases. Identifiers: MedGen C0950123, MeSH D030342.

Allele frequency attached by ClinVar (database versions not stated): gnomAD 0.00001; gnomAD exomes 0.00002; ExAC 0.00003.
gnomAD v4.1: 14 of 1,613,310 alleles (0.00087%); highest among the groups gnomAD compares: Non-Finnish European, 0.001%; no homozygotes.

Submission:

Ambry Genetics
Classification: Uncertain significance for Inborn genetic diseases. Last evaluated: 2025-02-15. Review status: criteria provided, single submitter. Criteria: Ambry Variant Classification Scheme 2023. Collection method: clinical testing. Allele origin: germline.
Comment: The p.I220T variant (also known as c.659T>C), located in coding exon 4 of the KDM1A gene, results from a T to C substitution at nucleotide position 659. The isoleucine at codon 220 is replaced by threonine, an amino acid with similar properties. This amino acid position is conserved. In addition, the in silico prediction for this alteration is inconclusive. Based on the available evidence, the clinical significance of this variant remains unclear.